The following is an entry in ClinVar:

ClinVar aggregate classification (germline): Benign/Likely benign. Review status: criteria provided, multiple submitters, no conflicts (2 of 4 stars). 7 submissions from 7 submitters: Benign (1); Likely benign (5). 1 of the submissions does not count toward it. Last evaluated 2025-12-30.

Conditions:
ATM-related disorder. Also called: ATM-related disorders; ATM-related condition.
Hereditary cancer-predisposing syndrome. Also called: Tumor predisposition; Neoplastic Syndromes, Hereditary; Hereditary neoplastic syndrome; Hereditary Cancer Syndrome. Identifiers: Orphanet 140162, MedGen C0027672, MeSH D009386, MONDO:0015356.
Ataxia-telangiectasia syndrome (AT). Also called: LOUIS-BAR SYNDROME; Ataxia-telangiectasia, complementation group D; AT, COMPLEMENTATION GROUP C; ATAXIA-TELANGIECTASIA, COMPLEMENTATION GROUP A; ATAXIA-TELANGIECTASIA, FRESNO VARIANT; Ataxia-telangiectasia. Identifiers: Orphanet 100, MedGen C0004135, MONDO:0008840, OMIM 208900.
Familial cancer of breast. Also called: BREAST CANCER, FAMILIAL; hereditary breast carcinoma; Hereditary breast cancer. Identifiers: Orphanet 227535, MedGen C0346153, MONDO:0016419, OMIM 114480. Disease mechanism: loss of function.

gnomAD v4.1: 7 of 1,612,578 alleles (0.00043%); highest among the groups gnomAD compares: Non-Finnish European, 0.00051%; no homozygotes.

Submissions (7):

Labcorp Genetics (formerly Invitae), Labcorp
Classification: Likely benign for Ataxia-telangiectasia syndrome. Last evaluated: 2025-12-30. Review status: criteria provided, single submitter. Criteria: Invitae Variant Classification Sherloc (09022015). Collection method: clinical testing. Allele origin: germline.

Myriad Genetics, Inc.
Classification: Benign for Familial cancer of breast. Last evaluated: 2024-04-24. Review status: criteria provided, single submitter. Criteria: Myriad Autosomal Dominant, Autosomal Recessive and X-Linked Classification Criteria (2023). Collection method: clinical testing. Allele origin: unknown.
Comment: This variant is considered benign. This variant is a silent/synonymous amino acid change and it is not expected to impact splicing.

Blueprint Genetics
Classification: Likely benign. Last evaluated: 2022-08-15. Review status: criteria provided, single submitter. Criteria: ACMG Guidelines, 2015. Collection method: clinical testing. Allele origin: germline.

GeneDx
Classification: Likely benign. Last evaluated: 2020-03-16. Review status: criteria provided, single submitter. Criteria: GeneDx Variant Classification Process June 2021. Collection method: clinical testing. Allele origin: germline. Affected: yes.

Color Diagnostics, LLC DBA Color Health
Classification: Likely benign for Hereditary cancer-predisposing syndrome. Last evaluated: 2018-01-25. Review status: criteria provided, single submitter. Criteria: ACMG Guidelines, 2015. Collection method: clinical testing. Allele origin: germline.

Ambry Genetics
Classification: Likely benign for Hereditary cancer-predisposing syndrome. Last evaluated: 2014-11-14. Review status: criteria provided, single submitter. Criteria: Ambry Variant Classification Scheme 2023. Collection method: clinical testing. Allele origin: germline.

PreventionGenetics, part of Exact Sciences
Classification: Likely benign for ATM-related condition. Last evaluated: 2024-05-10. Review status: no assertion criteria provided. Collection method: clinical testing. Allele origin: germline. Not counted in ClinVar's aggregate classification.
Comment: This variant is classified as likely benign based on ACMG/AMP sequence variant interpretation guidelines (Richards et al. 2015 PMID: 25741868, with internal and published modifications).

NM_000051.4(ATM):c.936A>G (p.Leu312=)

Gene: ATM (ATM serine/threonine kinase; plus strand). Cytogenetic location: 11q22.3.
Variant type: single nucleotide variant.
Coding change: c.936A>G on transcript NM_000051.4 (MANE Select); coding-DNA position 936, A replaced by G.
Protein change: p.Leu312=; no amino-acid change (leucine 312 retained).
Molecular consequence: synonymous variant.
Genome position (GRCh38, 1-based): chr11:108,246,998, A>G. VCF-style: chr11-108246998-A-G. GRCh37 (hg19) VCF-style: chr11-108117725-A-G.
Other names: c.936A>G, p.Leu312= (NM_001351834.2).
Identifiers: ClinVar variation 187115 (VCV000187115.23), dbSNP rs587782257, ClinGen allele CA196772.
Genomic context (GRCh38, chr11:108,246,998, plus strand): 5'-TTACATTTTAATTTTTTGGATTACAGGTGCTTATGAATCAACAAAATGGAGAAGTATTTT[A>G]TACAACTTATATGATCTGCTAGTGAATGAGATAAGTCATATAGGAAGTAGAGGAAAGTAT-3'
Protein context (NP_000042.3, residues 302-322): AYESTKWRSI[Leu312=]YNLYDLLVNE